The following is an entry in ClinVar:

ClinVar aggregate classification (germline): Benign. Review status: criteria provided, multiple submitters, no conflicts (2 of 4 stars). 4 submissions from 4 submitters: Benign (3). 1 of the submissions does not count toward it. Last evaluated 2026-02-03.

Conditions:
PKD1L1-related disorder. Also called: PKD1L1-related condition.

Allele frequency attached by ClinVar (database versions not stated): ESP Exome Variant Server 0.12264; TOPMed 0.13728; gnomAD 0.14442 and 0.14730; 1000 Genomes Project 30x 0.14897; 1000 Genomes Project 0.15056; ExAC 0.18811; gnomAD exomes 0.19277.
gnomAD v4.1: 262,538 of 1,613,982 alleles (16%); highest among the groups gnomAD compares: Admixed American, 24%; 23,208 homozygotes.

Submissions (4):

Labcorp Genetics (formerly Invitae), Labcorp
Classification: Benign. Last evaluated: 2026-02-03. Review status: criteria provided, single submitter. Criteria: Invitae Variant Classification Sherloc (09022015). Collection method: clinical testing. Allele origin: germline.

Blueprint Genetics
Classification: Benign. Last evaluated: 2024-11-27. Review status: criteria provided, single submitter. Criteria: ACMG Guidelines, 2015. Collection method: clinical testing. Allele origin: germline.

GeneDx
Classification: Benign. Last evaluated: 2018-11-12. Review status: criteria provided, single submitter. Criteria: GeneDx Variant Classification Process June 2021. Collection method: clinical testing. Allele origin: germline. Affected: yes.

PreventionGenetics, part of Exact Sciences
Classification: Benign for PKD1L1-related condition. Last evaluated: 2019-03-29. Review status: no assertion criteria provided. Collection method: clinical testing. Allele origin: germline. Not counted in ClinVar's aggregate classification.
Comment: This variant is classified as benign based on ACMG/AMP sequence variant interpretation guidelines (Richards et al. 2015 PMID: 25741868, with internal and published modifications).

NM_138295.5(PKD1L1):c.7228G>A (p.Glu2410Lys)

Genes: PKD1L1 (polycystin 1 like 1, transient receptor potential channel interacting; minus strand), PKD1L1-AS1 (PKD1L1 antisense RNA 1; plus strand). Cytogenetic location: 7p12.3.
Variant type: single nucleotide variant.
Coding change: c.7228G>A on transcript NM_138295.5 (MANE Select); coding-DNA position 7228, G replaced by A.
Protein change: p.Glu2410Lys; replaces glutamic acid 2410 with lysine.
Molecular consequence: missense variant.
Genome position (GRCh38, 1-based): chr7:47,813,239, C>T on the plus strand (G>A on the coding strand, the complement: PKD1L1 is on the minus strand). VCF-style: chr7-47813239-C-T. GRCh37 (hg19) VCF-style: chr7-47852837-C-T.
Other names: short protein forms E2410K.
Identifiers: ClinVar variation 1257395 (VCV001257395.10), dbSNP rs2290386, ClinGen allele CA4252071.